The following is an entry in ClinVar:

NM_007194.4(CHEK2):c.1234A>G (p.Ser412Gly)

Gene: CHEK2 (checkpoint kinase 2; minus strand). Cytogenetic location: 22q12.1.
Variant type: single nucleotide variant.
Coding change: c.1234A>G on transcript NM_007194.4 (MANE Select); coding-DNA position 1234, A replaced by G.
Protein change: p.Ser412Gly; replaces serine 412 with glycine.
Molecular consequence: missense variant.
Genome position (GRCh38, 1-based): chr22:28,695,735, T>C on the plus strand (A>G on the coding strand, the complement: CHEK2 is on the minus strand). VCF-style: chr22-28695735-T-C. GRCh37 (hg19) VCF-style: chr22-29091723-T-C.
Other names: c.1363A>G, p.Ser455Gly (NM_001005735.3); c.571A>G, p.Ser191Gly (NM_001257387.3); c.1033A>G, p.Ser345Gly (NM_001349956.3); c.1147A>G, p.Ser383Gly (NM_145862.3); short protein forms S345G, S383G, S191G, S412G, S455G.
Identifiers: ClinVar variation 4002245 (VCV004002245.1).
Genomic context (GRCh38, chr22:28,695,735, plus strand): 5'-CTACCAGTCTGTGCAGCAATGAAAATATTTCTTACCAGATAAAAAGAATAACTCCTAAAC[T>C]CCAGCAGTCCACAGCACGGTTATACCCAGCAGTCCCAACAGAAACAAGAACTTCAGGCGC-3'
Protein context (NP_009125.1, residues 402-422): AGYNRAVDCW[Ser412Gly]LGVILFICLS

ClinVar aggregate classification (germline): Uncertain significance (1 of 4 stars; one submission).

Conditions:
Hereditary cancer-predisposing syndrome. Also called: Tumor predisposition; Hereditary neoplastic syndrome; Neoplastic Syndromes, Hereditary; Hereditary Cancer Syndrome. Identifiers: Orphanet 140162, MedGen C0027672, MeSH D009386, MONDO:0015356.

Submission:

Ambry Genetics
Classification: Uncertain significance for Hereditary cancer-predisposing syndrome. Last evaluated: 2025-04-25. Review status: criteria provided, single submitter. Criteria: Ambry Variant Classification Scheme 2023. Collection method: clinical testing. Allele origin: germline.
Comment: The p.S412G variant (also known as c.1234A>G), located in coding exon 10 of the CHEK2 gene, results from an A to G substitution at nucleotide position 1234. The serine at codon 412 is replaced by glycine, an amino acid with similar properties. This amino acid position is conserved. In addition, this alteration is predicted to be deleterious by in silico analysis. Based on the available evidence, the clinical significance of this variant remains unclear.